The following is an entry in ClinVar:

NM_001005361.3(DNM2):c.*607G>A

Gene: DNM2 (dynamin 2; plus strand). Cytogenetic location: 19p13.2.
Variant type: single nucleotide variant.
Coding change: c.*607G>A on transcript NM_001005361.3 (MANE Select); 607 bases downstream of the stop codon, G replaced by A.
Molecular consequence: 3 prime UTR variant.
Genome position (GRCh38, 1-based): chr19:10,831,654, G>A. VCF-style: chr19-10831654-G-A. GRCh37 (hg19) VCF-style: chr19-10942330-G-A.
Other names: c.*607G>A (NM_001005360.3, NM_001005362.3, NM_001190716.2 and 1 more transcripts).
Identifiers: ClinVar variation 328013 (VCV000328013.5), dbSNP rs117954916, ClinGen allele CA10642181.

ClinVar aggregate classification (germline): Benign. Review status: criteria provided, single submitter (1 of 4 stars). 2 submissions from 1 submitter: Benign (2). Last evaluated 2018-01-13.

Conditions:
Charcot-Marie-Tooth disease dominant intermediate B (CMTDIB). Also called: CHARCOT-MARIE-TOOTH NEUROPATHY, DOMINANT INTERMEDIATE B; Charcot-Marie-Tooth disease dominant intermediate 1; CMT DI1; Charcot-Marie-Tooth disease dominant intermediate I. Identifiers: Orphanet 100044, Orphanet 228179, MedGen C1847902, MONDO:0011674, OMIM 606482.
Autosomal dominant centronuclear myopathy. Also called: MYOTUBULAR MYOPATHY, AUTOSOMAL DOMINANT; Myopathy, centronuclear, 3. Identifiers: Orphanet 169189, MedGen C4551952, MeSH D020914, MONDO:0008048, OMIM 160150.

Allele frequency attached by ClinVar (database versions not stated): 1000 Genomes Project 0.00060; 1000 Genomes Project 30x 0.00078; gnomAD 0.00084 and 0.00085; TOPMed 0.00087; gnomAD exomes 0.00180.
gnomAD v4.1: 1,615 of 986,094 alleles (0.16%); highest among the groups gnomAD compares: Non-Finnish European, 0.19%; 1 homozygote.

Submissions (2):

Illumina Laboratory Services, Illumina
Classification: Benign for Autosomal dominant centronuclear myopathy. Last evaluated: 2018-01-13. Review status: criteria provided, single submitter. Criteria: ICSL Variant Classification Criteria 13 December 2019. Collection method: clinical testing. Allele origin: germline.
Comment: This variant was observed in the ICSL laboratory as part of a predisposition screen in an ostensibly healthy population. It had not been previously curated by ICSL or reported in the Human Gene Mutation Database (HGMD: prior to June 1st, 2018), and was therefore a candidate for classification through an automated scoring system. Utilizing variant allele frequency, disease prevalence and penetrance estimates, and inheritance mode, an automated score was calculated to assess if this variant is too frequent to cause the disease. Based on the score and internal cut-off values, a variant classified as benign is not then subjected to further curation. The score for this variant resulted in a classification of benign for this disease.

Illumina Laboratory Services, Illumina
Classification: Benign for Charcot-Marie-Tooth disease dominant intermediate B. Last evaluated: 2018-01-13. Review status: criteria provided, single submitter. Criteria: ICSL Variant Classification Criteria 13 December 2019. Collection method: clinical testing. Allele origin: germline.
Comment: the same text as in the submission from Illumina Laboratory Services, Illumina above.